The following is an entry in ClinVar:

ClinVar aggregate classification (germline): Benign/Likely benign. Review status: criteria provided, multiple submitters, no conflicts (2 of 4 stars). 3 submissions from 3 submitters: Benign (2); Likely benign (1). Last evaluated 2022-11-01.

Allele frequency attached by ClinVar (database versions not stated): 1000 Genomes Project 30x 0.00250; 1000 Genomes Project 0.00300; gnomAD 0.00561 and 0.00607; ExAC 0.00599; gnomAD exomes 0.00600 and 0.00776; ESP Exome Variant Server 0.00632; TOPMed 0.00678.
gnomAD v4.1: 11,484 of 1,513,668 alleles (0.76%); highest among the groups gnomAD compares: Middle Eastern, 2.3%; 71 homozygotes.

Submissions (3):

CeGaT Center for Human Genetics Tuebingen
Classification: Likely benign. Last evaluated: 2022-11-01. Review status: criteria provided, single submitter. Criteria: CeGaT Center For Human Genetics Tuebingen Variant Classification Criteria Version 2. Collection method: clinical testing. Allele origin: germline. Affected: yes. Observed: 1 variant allele.
Comment: HERC4: BP4, BP7, BS2

Labcorp Genetics (formerly Invitae), Labcorp
Classification: Benign. Last evaluated: 2018-04-04. Review status: criteria provided, single submitter. Criteria: Invitae Variant Classification Sherloc (09022015). Collection method: clinical testing. Allele origin: germline.

Breakthrough Genomics
Classification: Benign. Review status: criteria provided, single submitter. Criteria: ACMG Guidelines, 2015. Collection method: not provided. Allele origin: germline. Inheritance: Unknown mechanism. Affected: yes.

NM_015601.4(HERC4):c.699T>A (p.Pro233=)

Gene: HERC4 (HECT and RLD domain containing E3 ubiquitin protein ligase 4; minus strand). Cytogenetic location: 10q21.3.
Variant type: single nucleotide variant.
Coding change: c.699T>A on transcript NM_015601.4 (MANE Select); coding-DNA position 699, T replaced by A.
Protein change: p.Pro233=; no amino-acid change (proline 233 retained).
Molecular consequence: synonymous variant. On other transcripts: intron variant (1).
Genome position (GRCh38, 1-based): chr10:68,032,856, A>T on the plus strand (T>A on the coding strand, the complement: HERC4 is on the minus strand). VCF-style: chr10-68032856-A-T. GRCh37 (hg19) VCF-style: chr10-69792613-A-T.
Other names: c.699T>A, p.Pro233= (NM_001278185.2, NM_022079.3); c.12+1109T>A (NM_001278186.2).
Identifiers: ClinVar variation 791491 (VCV000791491.28), dbSNP rs138028356, ClinGen allele CA5522022.
Genomic context (GRCh38, chr10:68,032,856, plus strand): 5'-ATGATCTTCTCCACAACAAATATAAACTATTTTCTGAGATCTTAGTGACTTTAGTAAATT[A>T]GGAACATACCTATCTGAAAATTCCAACAAGAGATGTTAATAGTATTTTAAAAATCAAAAC-3'
Protein context (NP_056416.2, residues 223-243): GLNDENDRYV[Pro233=]NLLKSLRSQK